The following is an entry in ClinVar:

ClinVar aggregate classification (germline): Uncertain significance (1 of 4 stars; one submission).

gnomAD v4.1: 9 of 1,613,864 alleles (0.00056%); highest among the groups gnomAD compares: Admixed American, 0.0033%; no homozygotes.

Submission:

Ambry Genetics
Classification: Uncertain significance. Last evaluated: 2025-02-10. Review status: criteria provided, single submitter. Criteria: Ambry Variant Classification Scheme 2023. Collection method: clinical testing. Allele origin: germline.
Comment: The p.E420Q variant (also known as c.1258G>C), located in coding exon 8 of the CTNNA3 gene, results from a G to C substitution at nucleotide position 1258. The glutamic acid at codon 420 is replaced by glutamine, an amino acid with highly similar properties. This amino acid position is conserved. In addition, the in silico prediction for this alteration is inconclusive. Based on the available evidence, the clinical significance of this variant remains unclear.

NM_013266.4(CTNNA3):c.1258G>C (p.Glu420Gln)

Gene: CTNNA3 (catenin alpha 3; minus strand). Cytogenetic location: 10q21.3.
Variant type: single nucleotide variant.
Coding change: c.1258G>C on transcript NM_013266.4 (MANE Select); coding-DNA position 1258, G replaced by C.
Protein change: p.Glu420Gln; replaces glutamic acid 420 with glutamine.
Molecular consequence: missense variant.
Genome position (GRCh38, 1-based): chr10:66,766,287, C>G on the plus strand (G>C on the coding strand, the complement: CTNNA3 is on the minus strand). VCF-style: chr10-66766287-C-G. GRCh37 (hg19) VCF-style: chr10-68526045-C-G.
Other names: c.1258G>C, p.Glu420Gln (NM_001127384.3); short protein forms E420Q.
Identifiers: ClinVar variation 3837211 (VCV003837211.1).